The following is an entry in ClinVar:

NM_001267550.2(TTN):c.72312G>A (p.Ala24104=)

Genes: TTN (titin; minus strand), TTN-AS1 (TTN antisense RNA 1; plus strand). Cytogenetic location: 2q31.2.
Variant type: single nucleotide variant.
Coding change: c.72312G>A on transcript NM_001267550.2 (MANE Select); coding-DNA position 72312, G replaced by A.
Protein change: p.Ala24104=; no amino-acid change (alanine 24104 retained).
Molecular consequence: synonymous variant.
Genome position (GRCh38, 1-based): chr2:178,573,820, C>T on the plus strand (G>A on the coding strand, the complement: TTN is on the minus strand). VCF-style: chr2-178573820-C-T. GRCh37 (hg19) VCF-style: chr2-179438547-C-T.
Other names: c.67389G>A, p.Ala22463= (NM_001256850.1); c.45117G>A, p.Ala15039= (NM_003319.4); c.64608G>A, p.Ala21536= (NM_133378.4); c.45492G>A, p.Ala15164= (NM_133432.3); c.45693G>A, p.Ala15231= (NM_133437.4).
Identifiers: ClinVar variation 698858 (VCV000698858.13), dbSNP rs763710399, ClinGen allele CA1990517.

ClinVar aggregate classification (germline): Likely benign. Review status: criteria provided, multiple submitters, no conflicts (2 of 4 stars). 3 submissions from 3 submitters: Likely benign (2). 1 of the submissions does not count toward it. Last evaluated 2026-01-06.

Conditions:
TTN-related disorder. Also called: TTN-related disorders; TTN-related condition; TTN-related disease.
Cardiovascular phenotype. Identifiers: MedGen CN230736.
Dilated cardiomyopathy 1G (CMD1G). Identifiers: Orphanet 154, MedGen C1858763, MONDO:0011400, OMIM 604145.
Autosomal recessive limb-girdle muscular dystrophy type 2J (LGMDR10). Also called: MUSCULAR DYSTROPHY, LIMB-GIRDLE, AUTOSOMAL RECESSIVE 10; Limb-girdle muscular dystrophy, type 2J. Identifiers: Orphanet 140922, MedGen C1837342, MONDO:0012127, OMIM 608807.

Allele frequency attached by ClinVar (database versions not stated): TOPMed 0.00001; gnomAD exomes 0.00002 and 0.00001; gnomAD 0.00003; ExAC 0.00001.
gnomAD v4.1: 17 of 1,611,434 alleles (0.0011%); highest among the groups gnomAD compares: East Asian, 0.0067%; no homozygotes.

Submissions (3):

Ambry Genetics
Classification: Likely benign for Cardiovascular phenotype. Last evaluated: 2026-01-06. Review status: criteria provided, single submitter. Criteria: Ambry Variant Classification Scheme 2023. Collection method: clinical testing. Allele origin: germline.

Labcorp Genetics (formerly Invitae), Labcorp
Classification: Likely benign for Dilated cardiomyopathy 1G; Autosomal recessive limb-girdle muscular dystrophy type 2J. Last evaluated: 2025-12-16. Review status: criteria provided, single submitter. Criteria: Invitae Variant Classification Sherloc (09022015). Collection method: clinical testing. Allele origin: germline.

PreventionGenetics, part of Exact Sciences
Classification: Likely benign for TTN-related condition. Last evaluated: 2019-06-05. Review status: no assertion criteria provided. Collection method: clinical testing. Allele origin: germline. Not counted in ClinVar's aggregate classification.
Comment: This variant is classified as likely benign based on ACMG/AMP sequence variant interpretation guidelines (Richards et al. 2015 PMID: 25741868, with internal and published modifications).